The following is an entry in ClinVar:

NM_015512.5(DNAH1):c.3026A>G (p.Asn1009Ser)

Gene: DNAH1 (dynein axonemal heavy chain 1; plus strand). Cytogenetic location: 3p21.1.
Variant type: single nucleotide variant.
Coding change: c.3026A>G on transcript NM_015512.5 (MANE Select); coding-DNA position 3026, A replaced by G.
Protein change: p.Asn1009Ser; replaces asparagine 1009 with serine.
Molecular consequence: missense variant.
Genome position (GRCh38, 1-based): chr3:52,352,706, A>G. VCF-style: chr3-52352706-A-G. GRCh37 (hg19) VCF-style: chr3-52386722-A-G.
Other names: c.3026A>G (NM_015512.4); short protein forms N1009S.
Identifiers: ClinVar variation 2930672 (VCV002930672.4), dbSNP rs767567577, ClinGen allele CA2433455.

ClinVar aggregate classification (germline): Uncertain significance. Review status: criteria provided, multiple submitters, no conflicts (2 of 4 stars). 2 submissions from 2 submitters: Uncertain significance (2). Last evaluated 2024-05-02.

Conditions:
Spermatogenic failure 18. Identifiers: MedGen C4539783, MONDO:0054615, OMIM 617576.
Ciliary dyskinesia, primary, 37 (CILD37). Also called: CILIARY DYSKINESIA, PRIMARY, 37, WITH OR WITHOUT SITUS INVERSUS. Identifiers: MedGen C4539798, MONDO:0033204, OMIM 617577.

Allele frequency attached by ClinVar (database versions not stated): ExAC 0.00001; gnomAD exomes 0.00002.
gnomAD v4.1: 25 of 1,608,326 alleles (0.0016%); highest among the groups gnomAD compares: Non-Finnish European, 0.0018%; no homozygotes.

Submissions (2):

Ambry Genetics
Classification: Uncertain significance. Last evaluated: 2024-05-02. Review status: criteria provided, single submitter. Criteria: Ambry Variant Classification Scheme 2023. Collection method: clinical testing. Allele origin: germline.

Labcorp Genetics (formerly Invitae), Labcorp
Classification: Uncertain significance for Ciliary dyskinesia, primary, 37; Spermatogenic failure 18. Last evaluated: 2023-01-27. Review status: criteria provided, single submitter. Criteria: Invitae Variant Classification Sherloc (09022015). Collection method: clinical testing. Allele origin: germline.
Comment: In summary, the available evidence is currently insufficient to determine the role of this variant in disease. Therefore, it has been classified as a Variant of Uncertain Significance. Algorithms developed to predict the effect of sequence changes on RNA splicing suggest that this variant may create or strengthen a splice site. Algorithms developed to predict the effect of missense changes on protein structure and function are either unavailable or do not agree on the potential impact of this missense change (SIFT: "Deleterious"; PolyPhen-2: "Benign"; Align-GVGD: "Class C45"). This variant has not been reported in the literature in individuals affected with DNAH1-related conditions. This variant is present in population databases (rs767567577, gnomAD 0.003%). This sequence change replaces asparagine, which is neutral and polar, with serine, which is neutral and polar, at codon 1009 of the DNAH1 protein (p.Asn1009Ser).